The following is an entry in ClinVar:

ClinVar aggregate classification (germline): Uncertain significance (1 of 4 stars; one submission).

Conditions:
Developmental and epileptic encephalopathy, 12 (DEE12). Identifiers: MedGen C3150988, MONDO:0013389, OMIM 613722.

Allele frequency attached by ClinVar (database versions not stated): TOPMed below 0.00001; ExAC 0.00001; gnomAD 0.00001; gnomAD exomes 0.00002.

Submission:

Labcorp Genetics (formerly Invitae), Labcorp
Classification: Uncertain significance for Developmental and epileptic encephalopathy, 12. Last evaluated: 2024-10-30. Review status: criteria provided, single submitter. Criteria: Invitae Variant Classification Sherloc (09022015). Collection method: clinical testing. Allele origin: germline.
Comment: This sequence change falls in intron 9 of the PNKP gene. It does not directly change the encoded amino acid sequence of the PNKP protein. It affects a nucleotide within the consensus splice site. This variant is present in population databases (rs776910301, gnomAD 0.02%). This variant has not been reported in the literature in individuals affected with PNKP-related conditions. ClinVar contains an entry for this variant (Variation ID: 1369529). Variants that disrupt the consensus splice site are a relatively common cause of aberrant splicing (PMID: 17576681, 9536098). Algorithms developed to predict the effect of sequence changes on RNA splicing suggest that this variant is not likely to affect RNA splicing. In summary, the available evidence is currently insufficient to determine the role of this variant in disease. Therefore, it has been classified as a Variant of Uncertain Significance.

Literature cited by the submitters: PubMed 17576681; PubMed 9536098.

NM_007254.4(PNKP):c.865+6G>A

Gene: PNKP (polynucleotide kinase 3'-phosphatase; minus strand). Cytogenetic location: 19q13.33.
Variant type: single nucleotide variant.
Coding change: c.865+6G>A on transcript NM_007254.4 (MANE Select); 6 bases into the intron after coding-DNA position 865, G replaced by A.
Molecular consequence: intron variant.
Genome position (GRCh38, 1-based): chr19:49,862,684, C>T on the plus strand (G>A on the coding strand, the complement: PNKP is on the minus strand). VCF-style: chr19-49862684-C-T. GRCh37 (hg19) VCF-style: chr19-50365941-C-T.
Identifiers: ClinVar variation 1369529 (VCV001369529.6), dbSNP rs776910301, ClinGen allele CA9586754.